The following is an entry in ClinVar:

ClinVar aggregate classification (germline): Likely benign (1 of 4 stars; one submission).

Conditions:
Familial cancer of breast. Also called: Hereditary breast cancer; BREAST CANCER, FAMILIAL; hereditary breast carcinoma. Identifiers: Orphanet 227535, MedGen C0346153, MONDO:0016419, OMIM 114480. Disease mechanism: loss of function.

Submission:

Myriad Genetics, Inc.
Classification: Likely benign for Familial cancer of breast. Last evaluated: 2024-10-08. Review status: criteria provided, single submitter. Criteria: Myriad Autosomal Dominant, Autosomal Recessive and X-Linked Classification Criteria (2023). Collection method: clinical testing. Allele origin: unknown.
Comment: This variant is considered likely benign. This variant is intronic and is not expected to impact mRNA splicing.

NM_007194.4(CHEK2):c.1543-17T>C

Gene: CHEK2 (checkpoint kinase 2; minus strand). Cytogenetic location: 22q12.1.
Variant type: single nucleotide variant.
Coding change: c.1543-17T>C on transcript NM_007194.4 (MANE Select); 17 bases into the intron before coding-DNA position 1543, T replaced by C.
Molecular consequence: intron variant.
Genome position (GRCh38, 1-based): chr22:28,688,003, A>G on the plus strand (T>C on the coding strand, the complement: CHEK2 is on the minus strand). VCF-style: chr22-28688003-A-G. GRCh37 (hg19) VCF-style: chr22-29083991-A-G.
Other names: c.880-17T>C (NM_001437942.1, NM_001257387.3); c.1342-17T>C (NM_001349956.3); c.1456-17T>C (NM_145862.3); c.1549-17T>C (NM_001438295.1); c.1636-17T>C (NM_001438293.1); c.1585-17T>C (NM_001438294.1); c.1672-17T>C (NM_001005735.3).
Identifiers: ClinVar variation 3773616 (VCV003773616.1).